The following is an entry in ClinVar:

NM_001164465.3(GOLGA6L10):c.792_812del (p.Cys265_Leu271del)

Gene: GOLGA6L10 (golgin A6 family like 10; minus strand). Cytogenetic location: 15q25.2.
Variant type: Deletion.
Coding change: c.792_812del on transcript NM_001164465.3 (MANE Select); coding-DNA positions 792 to 812, 21 bases deleted (GTGTGAACAGGAGGAGAGGCT).
Protein change: p.Cys265_Leu271del.
Molecular consequence: inframe deletion. On other transcripts: inframe indel (1).
Genome position (GRCh38, 1-based): chr15:82,345,048-82,345,068, AGCCTCTCCTCCTGTTCACAC deleted on the plus strand (GTGTGAACAGGAGGAGAGGCT on the coding strand, the reverse complement: GOLGA6L10 is on the minus strand); deleting any 21 consecutive bases within chr15:82,345,048-82,345,087 gives the same sequence; the c. name uses the placement nearest the transcript's 3' end. VCF-style (leftmost placement, unchanged base first): chr15-82345047-TAGCCTCTCCTCCTGTTCACAC-T. GRCh37 (hg19) VCF-style: chr15-82637313-CACAGCCTCTCCTCCTGTTCAT-C.
Other names: c.815_835del, p.His272_Cys279delinsArg (NM_001322400.1).
Identifiers: ClinVar variation 2645638 (VCV002645638.23), dbSNP rs1273508880, ClinGen allele CA716300678.

ClinVar aggregate classification (germline): Likely benign (1 of 4 stars; one submission).

Submission:

CeGaT Center for Human Genetics Tuebingen
Classification: Likely benign. Last evaluated: 2024-01-01. Review status: criteria provided, single submitter. Criteria: CeGaT Center For Human Genetics Tuebingen Variant Classification Criteria Version 2. Collection method: clinical testing. Allele origin: germline. Affected: yes. Observed: 2 variant alleles.
Comment: GOLGA6L10: PM4, BS2